The following is an entry in ClinVar:

NM_207406.4(BEND4):c.1297G>A (p.Gly433Ser)

Gene: BEND4 (BEN domain containing 4; minus strand). Cytogenetic location: 4p13.
Variant type: single nucleotide variant.
Coding change: c.1297G>A on transcript NM_207406.4 (MANE Select); coding-DNA position 1297, G replaced by A.
Protein change: p.Gly433Ser; replaces glycine 433 with serine.
Molecular consequence: missense variant.
Genome position (GRCh38, 1-based): chr4:42,120,144, C>T on the plus strand (G>A on the coding strand, the complement: BEND4 is on the minus strand). VCF-style: chr4-42120144-C-T. GRCh37 (hg19) VCF-style: chr4-42122161-C-T.
Other names: BEND4, GLY433SER (rs779411414); c.1297G>A, p.Gly433Ser (NM_001159547.2); short protein forms G433S.
Identifiers: ClinVar variation 984426 (VCV000984426.6), dbSNP rs779411414, ClinGen allele CA2902727.

ClinVar aggregate classification (germline): Uncertain significance. Review status: no assertion criteria provided (0 of 4 stars). 2 submissions from 2 submitters: Uncertain significance (2). Last evaluated 2025-06-23.

Conditions:
Familial acute necrotizing encephalopathy (IIAE3). Also called: ENCEPHALOPATHY, ACUTE, INFECTION-INDUCED, SUSCEPTIBILITY TO, 3; Susceptibility to Acute Necrotizing Encephalopathy 1. Identifiers: Orphanet 88619, MedGen C2675556, MONDO:0011953, OMIM 608033.

Allele frequency attached by ClinVar (database versions not stated): gnomAD exomes below 0.00001; ExAC 0.00001.
gnomAD v4.1: 1 of 1,613,942 alleles (0.000062%); highest among the groups gnomAD compares: Non-Finnish European, 0.000085%; no homozygotes.

Submissions (2):

OMIM
Classification: Uncertain significance for VARIANT OF UNKNOWN SIGNIFICANCE. Last evaluated: 2025-06-23. Review status: no assertion criteria provided. Collection method: literature only. Allele origin: germline.

Istanbul Faculty of Medicine, Istanbul University
Classification: Uncertain significance for Familial acute necrotizing encephalopathy. Last evaluated: 2020-11-04. Review status: no assertion criteria provided. Collection method: research. Allele origin: germline. Affected: yes and no. Observed: 6 variant alleles.
Comment: Identified in three affected individuals in the family

Literature cited by the submitters: PubMed 35221871 (cited by OMIM and Istanbul Faculty of Medicine, Istanbul University).